The following is an entry in ClinVar:

NM_000238.4(KCNH2):c.2908G>A (p.Gly970Arg)

Gene: KCNH2 (potassium voltage-gated channel subfamily H member 2; minus strand). Cytogenetic location: 7q36.1.
Variant type: single nucleotide variant.
Coding change: c.2908G>A on transcript NM_000238.4 (MANE Select); coding-DNA position 2908, G replaced by A.
Protein change: p.Gly970Arg; replaces glycine 970 with arginine.
Molecular consequence: missense variant.
Genome position (GRCh38, 1-based): chr7:150,947,663, C>T on the plus strand (G>A on the coding strand, the complement: KCNH2 is on the minus strand). VCF-style: chr7-150947663-C-T. GRCh37 (hg19) VCF-style: chr7-150644751-C-T.
Other names: c.1888G>A, p.Gly630Arg (NM_172057.3); short protein forms G630R, G970R.
Identifiers: ClinVar variation 926177 (VCV000926177.9), dbSNP rs1800959537, ClinGen allele CA369853163.

ClinVar aggregate classification (germline): Uncertain significance. Review status: criteria provided, multiple submitters, no conflicts (2 of 4 stars). 3 submissions from 3 submitters: Uncertain significance (3). Last evaluated 2024-03-06.

Conditions:
Cardiac arrhythmia. Also called: Cardiac rhythm disease; Arrhythmia. Identifiers: MedGen C0003811, MONDO:0007263, HP:0011675.
Long QT syndrome (LQTS). Identifiers: MedGen C0023976, MeSH D008133, MONDO:0002442. Disease mechanism: loss of function. Inheritance: Various modes of inheritance.
Cardiovascular phenotype. Identifiers: MedGen CN230736.

Allele frequency attached by ClinVar (database versions not stated): gnomAD exomes below 0.00001.
gnomAD v4.1: 1 of 1,609,210 alleles (0.000062%); highest among the groups gnomAD compares: South Asian, 0.0011%; no homozygotes.

Submissions (3):

Color Diagnostics, LLC DBA Color Health
Classification: Uncertain significance for Cardiac arrhythmia. Last evaluated: 2024-03-06. Review status: criteria provided, single submitter. Criteria: ACMG Guidelines, 2015. Collection method: clinical testing. Allele origin: germline.
Comment: This missense variant replaces glycine with arginine at codon 970 of the KCNH2 protein. Computational prediction is inconclusive regarding the impact of this variant on protein structure and function (internally defined REVEL score threshold 0.5 < inconclusive < 0.7, PMID: 27666373). Splice site prediction tools suggest that this variant may not impact RNA splicing. To our knowledge, functional studies have not been performed for this variant. This variant has not been reported in individuals affected with cardiovascular disorders in the literature. This variant has not been identified in the general population by the Genome Aggregation Database (gnomAD). The available evidence is insufficient to determine the role of this variant in disease conclusively. Therefore, this variant is classified as a Variant of Uncertain Significance.

All of Us Research Program, National Institutes of Health
Classification: Uncertain significance for Long QT syndrome. Last evaluated: 2023-08-15. Review status: criteria provided, single submitter. Criteria: ACMG Guidelines, 2015. Collection method: clinical testing. Allele origin: germline. Inheritance: Autosomal dominant inheritance. Observed: 1 variant allele, 1 heterozygote.
Comment: This missense variant replaces glycine with arginine at codon 970 of the KCNH2 protein. Computational prediction is inconclusive regarding the impact of this variant on protein structure and function (internally defined REVEL score threshold 0.5 < inconclusive < 0.7, PMID: 27666373). Splice site prediction tools suggest that this variant may not impact RNA splicing. To our knowledge, functional studies have not been performed for this variant. This variant has not been reported in individuals affected with cardiovascular disorders in the literature. This variant has not been identified in the general population by the Genome Aggregation Database (gnomAD). The available evidence is insufficient to determine the role of this variant in disease conclusively. Therefore, this variant is classified as a Variant of Uncertain Significance.

This study involves interpretation of variants in research participants for the purpose of population health screening. Participant phenotype was not available at the time of variant classification. Additional details can be found in publication PMID: 35346344, PMCID: PMC8962531

Ambry Genetics
Classification: Uncertain significance for Cardiovascular phenotype. Last evaluated: 2022-02-22. Review status: criteria provided, single submitter. Criteria: Ambry Variant Classification Scheme 2023. Collection method: clinical testing. Allele origin: germline.
Comment: The p.G970R variant (also known as c.2908G>A), located in coding exon 12 of the KCNH2 gene, results from a G to A substitution at nucleotide position 2908. The glycine at codon 970 is replaced by arginine, an amino acid with dissimilar properties. This amino acid position is well conserved in available vertebrate species. In addition, the in silico prediction for this alteration is inconclusive. Since supporting evidence is limited at this time, the clinical significance of this alteration remains unclear.